The following is an entry in ClinVar:

ClinVar aggregate classification (germline): Conflicting classifications of pathogenicity. Review status: criteria provided, conflicting classifications (1 of 4 stars). 5 submissions from 5 submitters: Likely pathogenic (2); Uncertain significance (2); Likely benign (1). Last evaluated 2026-03-31.

Conditions:
Neurofibromatosis, type 1 (NF1). Also called: Peripheral type neurofibromatosis; Neurofibromatosis, type I; VON RECKLINGHAUSEN DISEASE; NEUROFIBROMATOSIS, TYPE I, SOMATIC. Identifiers: Orphanet 636, MedGen C0027831, MONDO:0018975, OMIM 162200. Disease mechanism: loss of function.
Cardiovascular phenotype. Identifiers: MedGen CN230736.
Hereditary cancer-predisposing syndrome. Also called: Tumor predisposition; Hereditary neoplastic syndrome; Neoplastic Syndromes, Hereditary; Hereditary Cancer Syndrome. Identifiers: Orphanet 140162, MedGen C0027672, MeSH D009386, MONDO:0015356.

Submissions (5):

GeneDx
Classification: Likely pathogenic. Last evaluated: 2026-03-31. Review status: criteria provided, single submitter. Criteria: GeneDx Variant Classification Process June 2021. Collection method: clinical testing. Allele origin: germline.
Comment: Not observed at significant frequency in large population cohorts (gnomAD); In silico analysis is inconclusive as to whether the variant alters gene splicing. In the absence of RNA/functional studies, the actual effect of this sequence change is unknown; Has not been previously published as pathogenic or benign to our knowledge

3billion
Classification: Uncertain significance for Neurofibromatosis, type 1. Last evaluated: 2025-12-15. Review status: criteria provided, single submitter. Criteria: ACMG Guidelines, 2015. Collection method: clinical testing. Allele origin: germline. Affected: yes.
Comment: The variant is not observed in the gnomAD v4.1.0 dataset. Predicted Consequence/Location: Synonymous variant In silico tools predict the variant to alter splicing and produce an abnormal transcript [SpliceAI: 0.54 (>=0.2, moderate evidence for spliceogenicity)]. The variant has been reported to be associated with NF1-related disorder (ClinVar ID: VCV000820132). However, the evidence of pathogenicity is insufficient at this time. Therefore, this variant is classified as VUS according to the recommendation of ACMG/AMP guideline.

Labcorp Genetics (formerly Invitae), Labcorp
Classification: Uncertain significance for Neurofibromatosis, type 1. Last evaluated: 2025-03-09. Review status: criteria provided, single submitter. Criteria: Invitae Variant Classification Sherloc (09022015). Collection method: clinical testing. Allele origin: germline.
Comment: This sequence change affects codon 606 of the NF1 mRNA. It is a 'silent' change, meaning that it does not change the encoded amino acid sequence of the NF1 protein. This variant is not present in population databases (gnomAD no frequency). This variant has not been reported in the literature in individuals affected with NF1-related conditions. ClinVar contains an entry for this variant (Variation ID: 820132). Studies have shown that this variant is associated with inconclusive levels of altered splicing (internal data). In summary, the available evidence is currently insufficient to determine the role of this variant in disease. Therefore, it has been classified as a Variant of Uncertain Significance.

Ambry Genetics
Classification: Likely pathogenic for Cardiovascular phenotype; Hereditary cancer-predisposing syndrome. Last evaluated: 2023-07-03. Review status: criteria provided, single submitter. Criteria: Ambry Variant Classification Scheme 2023. Collection method: clinical testing. Allele origin: germline.
Comment: The c.1818C>T variant (also known as p.C606C), located in coding exon 16 of the NF1 gene, results from a C to T substitution at nucleotide position 1818. This nucleotide substitution does not change the cysteine at codon 606. This variant has been determined to be the result of a de novo mutation or germline mosaicism in one family with two cases with features of neurofibromatosis type 1 (Ambry internal data). Additionally, this alteration has also been observed in at least one individual with a personal history that is consistent with NF1-related disease (Ambry internal data). This variant is considered to be rare based on population cohorts in the Genome Aggregation Database (gnomAD). This nucleotide position is well conserved in available vertebrate species. In silico splice site analysis predicts that this alteration may weaken the native splice donor site; however, direct evidence is insufficient at this time (Ambry internal data). Based on the majority of available evidence to date, this variant is likely to be pathogenic.

Genome-Nilou Lab
Classification: Likely benign for Neurofibromatosis, type 1. Last evaluated: 2022-03-15. Review status: criteria provided, single submitter. Criteria: ACMG Guidelines, 2015. Collection method: clinical testing. Allele origin: germline. Affected: no.

NM_001042492.3(NF1):c.1818C>T (p.Cys606=)

Gene: NF1 (neurofibromin 1; plus strand). Cytogenetic location: 17q11.2.
Variant type: single nucleotide variant.
Coding change: c.1818C>T on transcript NM_001042492.3 (MANE Select); coding-DNA position 1818, C replaced by T.
Protein change: p.Cys606=; no amino-acid change (cysteine 606 retained).
Molecular consequence: synonymous variant.
Genome position (GRCh38, 1-based): chr17:31,223,540, C>T. VCF-style: chr17-31223540-C-T. GRCh37 (hg19) VCF-style: chr17-29550558-C-T.
Other names: c.1818C>T, p.Cys606= (NM_000267.4).
Identifiers: ClinVar variation 820132 (VCV000820132.13), dbSNP rs1567845937, ClinGen allele CA499229947.